The following is an entry in ClinVar:

NM_152703.5(SAMD9L):c.4482G>A (p.Glu1494=)

Gene: SAMD9L (sterile alpha motif domain containing 9 like; minus strand). Cytogenetic location: 7q21.2.
Variant type: single nucleotide variant.
Coding change: c.4482G>A on transcript NM_152703.5 (MANE Select); coding-DNA position 4482, G replaced by A.
Protein change: p.Glu1494=; no amino-acid change (glutamic acid 1494 retained).
Molecular consequence: synonymous variant.
Genome position (GRCh38, 1-based): chr7:93,131,490, C>T on the plus strand (G>A on the coding strand, the complement: SAMD9L is on the minus strand). VCF-style: chr7-93131490-C-T. GRCh37 (hg19) VCF-style: chr7-92760803-C-T.
Other names: c.4482G>A (NM_152703.2, NM_152703.3); c.4482G>A, p.Glu1494= (NM_001303496.3, NM_001303497.3, NM_001303498.3 and 5 more transcripts).
Identifiers: ClinVar variation 1985255 (VCV001985255.7), dbSNP rs202145032, ClinGen allele CA4343294.
Genomic context (GRCh38, chr7:93,131,490, plus strand): 5'-TTTCCACACATCCCCACTGTGCCAGAGGGAATTTGTATTTTGTGCTTTATCAAAGTACTG[C>T]TCTATTTTGGCCTTGTGAACAATACTGTTTAGACCCTTCCTTTTGCCCAGATAGAAAAGT-3'
Protein context (NP_689916.2, residues 1484-1504): LNSIVHKAKI[Glu1494=]QYFDKAQNTN

ClinVar aggregate classification (germline): Likely benign. Review status: criteria provided, multiple submitters, no conflicts (2 of 4 stars). 3 submissions from 3 submitters: Likely benign (2). 1 of the submissions does not count toward it. Last evaluated 2026-01-24.

Conditions:
Inborn genetic diseases. Identifiers: MedGen C0950123, MeSH D030342.
SAMD9L-related disorder. Also called: SAMD9L-related disorders; SAMD9L-related condition.

Allele frequency attached by ClinVar (database versions not stated): ExAC 0.00002; TOPMed 0.00004; gnomAD 0.00005; gnomAD exomes 0.00006.

Submissions (3):

Labcorp Genetics (formerly Invitae), Labcorp
Classification: Likely benign. Last evaluated: 2026-01-24. Review status: criteria provided, single submitter. Criteria: Invitae Variant Classification Sherloc (09022015). Collection method: clinical testing. Allele origin: germline.

Ambry Genetics
Classification: Likely benign for Inborn genetic diseases. Last evaluated: 2024-11-22. Review status: criteria provided, single submitter. Criteria: Ambry Variant Classification Scheme 2023. Collection method: clinical testing. Allele origin: germline.

PreventionGenetics, part of Exact Sciences
Classification: Likely benign for SAMD9L-related condition. Last evaluated: 2024-01-25. Review status: no assertion criteria provided. Collection method: clinical testing. Allele origin: germline. Not counted in ClinVar's aggregate classification.
Comment: This variant is classified as likely benign based on ACMG/AMP sequence variant interpretation guidelines (Richards et al. 2015 PMID: 25741868, with internal and published modifications).